The following is an entry in ClinVar:

ClinVar aggregate classification (germline): Uncertain significance. Review status: criteria provided, multiple submitters, no conflicts (2 of 4 stars). 2 submissions from 2 submitters: Uncertain significance (2). Last evaluated 2025-11-23.

Allele frequency attached by ClinVar (database versions not stated): gnomAD exomes below 0.00001; ExAC 0.00002.
gnomAD v4.1: 3 of 1,610,760 alleles (0.00019%); highest among the groups gnomAD compares: Non-Finnish European, 0.00025%; no homozygotes.

Submissions (2):

Mayo Clinic Laboratories, Mayo Clinic
Classification: Uncertain significance. Last evaluated: 2025-11-23. Review status: criteria provided, single submitter. Criteria: ACMG Guidelines, 2015. Collection method: clinical testing. Allele origin: germline. Observed: 1 variant allele.
Comment: BP4_moderate

Labcorp Genetics (formerly Invitae), Labcorp
Classification: Uncertain significance. Last evaluated: 2025-11-10. Review status: criteria provided, single submitter. Criteria: Invitae Variant Classification Sherloc (09022015). Collection method: clinical testing. Allele origin: germline.
Comment: This sequence change replaces alanine, which is neutral and non-polar, with threonine, which is neutral and polar, at codon 26 of the LYRM7 protein (p.Ala26Thr). This variant is present in population databases (rs774040030, gnomAD 0.002%). This variant has not been reported in the literature in individuals affected with LYRM7-related conditions. ClinVar contains an entry for this variant (Variation ID: 1936944). An algorithm developed to predict the effect of missense changes on protein structure and function outputs the following: PolyPhen-2: "Benign". The threonine amino acid residue is found in multiple mammalian species, which suggests that this missense change does not adversely affect protein function. In summary, the available evidence is currently insufficient to determine the role of this variant in disease. Therefore, it has been classified as a Variant of Uncertain Significance.

NM_181705.4(LYRM7):c.76G>A (p.Ala26Thr)

Gene: LYRM7 (LYR motif containing 7; plus strand). Cytogenetic location: 5q23.3.
Variant type: single nucleotide variant.
Coding change: c.76G>A on transcript NM_181705.4 (MANE Select); coding-DNA position 76, G replaced by A.
Protein change: p.Ala26Thr; replaces alanine 26 with threonine.
Molecular consequence: missense variant. On other transcripts: non-coding transcript variant (1).
Genome position (GRCh38, 1-based): chr5:131,180,152, G>A. VCF-style: chr5-131180152-G-A. GRCh37 (hg19) VCF-style: chr5-130515845-G-A.
Other names: p.Ala26Thr; c.76G>A, p.Ala26Thr (NM_001293735.2); short protein forms A26T.
Identifiers: ClinVar variation 1936944 (VCV001936944.6), dbSNP rs774040030, ClinGen allele CA3398730.